The following is an entry in ClinVar:

NM_031433.4(MFRP):c.1022T>A (p.Leu341Gln)

Genes: C1QTNF5 (C1q and TNF related 5; minus strand), MFRP (membrane frizzled-related protein; minus strand). Cytogenetic location: 11q23.3.
Variant type: single nucleotide variant.
Coding change: c.1022T>A on transcript NM_031433.4 (MANE Select); coding-DNA position 1022, T replaced by A.
Protein change: p.Leu341Gln; replaces leucine 341 with glutamine.
Molecular consequence: missense variant. On other transcripts: 5 prime UTR variant (1).
Genome position (GRCh38, 1-based): chr11:119,343,918, A>T on the plus strand (T>A on the coding strand, the complement: MFRP is on the minus strand). VCF-style: chr11-119343918-A-T. GRCh37 (hg19) VCF-style: chr11-119214628-A-T.
Other names: c.-1615T>A (NM_015645.5); short protein forms L341Q.
Identifiers: ClinVar variation 4884401 (VCV004884401.1).
Genomic context (GRCh38, chr11:119,343,918, plus strand): 5'-ACCTCCACGTAGTCAAACTTGCACTCGTCCTGAGCCTCCAGGCTGAAGTTGTGGAACTGT[A>T]GTTCTATGCTGTGTCCGGCAGGCACCGAGATATGCCAGGTGCAGAGCTGGGGGAGGGCAT-3'
Protein context (NP_113621.1, residues 331-351): ISVPAGHSIE[Leu341Gln]QFHNFSLEAQ

ClinVar aggregate classification (germline): Likely pathogenic (1 of 4 stars; one submission).

Conditions:
MFRP-related ocular disease.

Submission:

Division of Genetic & Genomic Pathology, Hong Kong Children's Hospital
Classification: Likely pathogenic for MFRP-related ocular disease. Last evaluated: 2025-10-20. Review status: criteria provided, single submitter. Criteria: ACMG Guidelines, 2015. Collection method: clinical testing. Allele origin: germline. Affected: yes.
Comment: MFRP c.1022T>A p.(Leu341Gln) is a missense variant located in exon 9. The variant is absent from control populations (gnomAD v2.1.1 and v4.1.0). It has not been reported in Human Gene Mutation Database (HGMD, v2024.2) or ClinVar. The variant has a REVEL score of 0.53, which is neither above nor below the thresholds predicting a damaging or benign impact. Another missense variant affecting the same amino acid residue, p.(Leu341Pro), has been detected in trans with likely pathogenic variants in two unrelated families and co-segregated in five affected family members with high hyperopia (PMID:33203948). The variant is in trans with another frameshift variant.

Literature cited by the submitters: PubMed 33203948.